The following is an entry in ClinVar:

ClinVar aggregate classification (germline): Uncertain significance. Review status: criteria provided, multiple submitters, no conflicts (2 of 4 stars). 3 submissions from 3 submitters: Uncertain significance (3). Last evaluated 2025-02-07.

Conditions:
Hereditary cancer-predisposing syndrome. Also called: Hereditary Cancer Syndrome; Neoplastic Syndromes, Hereditary; Tumor predisposition; Hereditary neoplastic syndrome. Identifiers: Orphanet 140162, MedGen C0027672, MeSH D009386, MONDO:0015356.

Submissions (3):

Ambry Genetics
Classification: Uncertain significance for Hereditary cancer-predisposing syndrome. Last evaluated: 2025-02-07. Review status: criteria provided, single submitter. Criteria: Ambry Variant Classification Scheme 2023. Collection method: clinical testing. Allele origin: germline.
Comment: The p.G557A variant (also known as c.1670G>C), located in coding exon 4 of the MSH6 gene, results from a G to C substitution at nucleotide position 1670. The glycine at codon 557 is replaced by alanine, an amino acid with similar properties. This amino acid position is highly conserved in available vertebrate species. In addition, this alteration is predicted to be deleterious by in silico analysis. Based on the available evidence, the clinical significance of this variant remains unclear.

Color Diagnostics, LLC DBA Color Health
Classification: Uncertain significance for Hereditary cancer-predisposing syndrome. Last evaluated: 2023-12-05. Review status: criteria provided, single submitter. Criteria: ACMG Guidelines, 2015. Collection method: clinical testing. Allele origin: germline.
Comment: This missense variant replaces glycine with alanine at codon 557 of the MSH6 protein. Computational prediction suggests that this variant may have deleterious impact on protein structure and function (internally defined REVEL score threshold >= 0.7, PMID: 27666373). To our knowledge, functional studies have not been reported for this variant. This variant has not been reported in individuals affected with MSH6-related disorders in the literature. This variant has not been identified in the general population by the Genome Aggregation Database (gnomAD). The available evidence is insufficient to determine the role of this variant in disease conclusively. Therefore, this variant is classified as a Variant of Uncertain Significance.

Quest Diagnostics Nichols Institute San Juan Capistrano
Classification: Uncertain significance. Last evaluated: 2023-10-31. Review status: criteria provided, single submitter. Criteria: Quest Diagnostics criteria. Collection method: clinical testing. Allele origin: unknown.
Comment: The MSH6 c.1670G>C (p.Gly557Ala) variant has not been reported in individuals with MSH6-related conditions in the published literature. It also has not been reported in large, multi-ethnic general populations (Genome Aggregation Database). Analysis of this variant using bioinformatics tools for the prediction of the effect of amino acid changes on protein structure and function yielded predictions that this variant is damaging. Based on the available information, we are unable to determine the clinical significance of this variant.

NM_000179.3(MSH6):c.1670G>C (p.Gly557Ala)

Gene: MSH6 (mutS homolog 6; plus strand). Cytogenetic location: 2p16.3.
Variant type: single nucleotide variant.
Coding change: c.1670G>C on transcript NM_000179.3 (MANE Select); coding-DNA position 1670, G replaced by C.
Protein change: p.Gly557Ala; replaces glycine 557 with alanine.
Molecular consequence: missense variant.
Genome position (GRCh38, 1-based): chr2:47,799,653, G>C. VCF-style: chr2-47799653-G-C. GRCh37 (hg19) VCF-style: chr2-48026792-G-C.
Other names: c.1280G>C, p.Gly427Ala (NM_001281492.2); c.764G>C, p.Gly255Ala (NM_001281493.2, NM_001281494.2); short protein forms G557A, G427A, G255A.
Identifiers: ClinVar variation 489966 (VCV000489966.7), dbSNP rs1553413050, ClinGen allele CA346747398.